The following is an entry in ClinVar:

ClinVar aggregate classification (germline): Uncertain significance (1 of 4 stars; one submission).

Conditions:
Inborn genetic diseases. Identifiers: MedGen C0950123, MeSH D030342.

Submission:

Ambry Genetics
Classification: Uncertain significance for Inborn genetic diseases. Last evaluated: 2025-02-08. Review status: criteria provided, single submitter. Criteria: Ambry Variant Classification Scheme 2023. Collection method: clinical testing. Allele origin: germline.
Comment: The p.P797S variant (also known as c.2389C>T), located in coding exon 25 of the RTEL1 gene, results from a C to T substitution at nucleotide position 2389. The proline at codon 797 is replaced by serine, an amino acid with similar properties. This amino acid position is conserved. In addition, this alteration is predicted to be tolerated by in silico analysis. Based on the available evidence, the clinical significance of this variant remains unclear.

NM_001283009.2(RTEL1):c.2389C>T (p.Pro797Ser)

Genes: RTEL1 (regulator of telomere elongation helicase 1; plus strand), RTEL1-TNFRSF6B (RTEL1-TNFRSF6B readthrough (NMD candidate); plus strand). Cytogenetic location: 20q13.33.
Variant type: single nucleotide variant.
Coding change: c.2389C>T on transcript NM_001283009.2 (MANE Select); coding-DNA position 2389, C replaced by T.
Protein change: p.Pro797Ser; replaces proline 797 with serine.
Molecular consequence: missense variant. On other transcripts: non-coding transcript variant (1).
Genome position (GRCh38, 1-based): chr20:63,690,417, C>T. VCF-style: chr20-63690417-C-T. GRCh37 (hg19) VCF-style: chr20-62321770-C-T.
Other names: c.1720C>T, p.Pro574Ser (NM_001283010.1); c.2389C>T, p.Pro797Ser (NM_016434.4); c.2461C>T, p.Pro821Ser (NM_032957.5); short protein forms P821S, P574S, P797S.
Identifiers: ClinVar variation 3791126 (VCV003791126.1).